The following is an entry in ClinVar:

ClinVar aggregate classification (germline): Likely pathogenic (1 of 4 stars; one submission).

Conditions:
Dilated cardiomyopathy 1EE (CMD1EE). Identifiers: Orphanet 154, MedGen C2750466, MONDO:0013198, OMIM 613252.
Hypertrophic cardiomyopathy 14. Identifiers: MedGen C2750467, MONDO:0013197, OMIM 613251.
Atrial septal defect 3 (ASD3). Identifiers: Orphanet 1478, MedGen C3279790, MONDO:0013567, OMIM 614089.

Submission:

Institute of Immunology and Genetics Kaiserslautern
Classification: Likely pathogenic for Dilated cardiomyopathy 1EE; Hypertrophic cardiomyopathy 14; Atrial septal defect 3. Last evaluated: 2023-09-27. Review status: criteria provided, single submitter. Criteria: ACMG Guidelines, 2015. Collection method: clinical testing. Allele origin: germline. Affected: yes.
Comment: ACMG Citeria: PVS1, PM2; Variant found in a heterozygous state

NM_002471.4(MYH6):c.5164-2A>G

Gene: MYH6 (myosin heavy chain 6; minus strand). Cytogenetic location: 14q11.2.
Variant type: single nucleotide variant.
Coding change: c.5164-2A>G on transcript NM_002471.4 (MANE Select); the canonical splice acceptor site of the intron before coding-DNA position 5164, A replaced by G.
Molecular consequence: splice acceptor variant.
Genome position (GRCh38, 1-based): chr14:23,385,043, T>C on the plus strand (A>G on the coding strand, the complement: MYH6 is on the minus strand). VCF-style: chr14-23385043-T-C. GRCh37 (hg19) VCF-style: chr14-23854252-T-C.
Identifiers: ClinVar variation 3366965 (VCV003366965.1).